The following is an entry in ClinVar:

ClinVar aggregate classification (germline): Uncertain significance. Review status: criteria provided, multiple submitters, no conflicts (2 of 4 stars). 2 submissions from 2 submitters: Uncertain significance (2). Last evaluated 2025-08-12.

Allele frequency attached by ClinVar (database versions not stated): gnomAD exomes below 0.00001 and 0.00003; TOPMed below 0.00001; gnomAD 0.00001.
gnomAD v4.1: 6 of 1,551,866 alleles (0.00039%); highest among the groups gnomAD compares: East Asian, 0.015%; no homozygotes.

Submissions (2):

GeneDx
Classification: Uncertain significance. Last evaluated: 2025-08-12. Review status: criteria provided, single submitter. Criteria: GeneDx Variant Classification Process June 2021. Collection method: clinical testing. Allele origin: germline. Affected: yes.
Comment: Has not been previously published as pathogenic or benign to our knowledge; In silico analysis supports that this missense variant has a deleterious effect on protein structure/function

Labcorp Genetics (formerly Invitae), Labcorp
Classification: Uncertain significance. Last evaluated: 2022-09-27. Review status: criteria provided, single submitter. Criteria: Invitae Variant Classification Sherloc (09022015). Collection method: clinical testing. Allele origin: germline.
Comment: Advanced modeling of protein sequence and biophysical properties (such as structural, functional, and spatial information, amino acid conservation, physicochemical variation, residue mobility, and thermodynamic stability) performed at Invitae indicates that this missense variant is expected to disrupt COL9A3 protein function. ClinVar contains an entry for this variant (Variation ID: 1312481). This variant has not been reported in the literature in individuals affected with COL9A3-related conditions. This variant is present in population databases (no rsID available, gnomAD 0.08%). This sequence change replaces glycine, which is neutral and non-polar, with arginine, which is basic and polar, at codon 616 of the COL9A3 protein (p.Gly616Arg). In summary, the available evidence is currently insufficient to determine the role of this variant in disease. Therefore, it has been classified as a Variant of Uncertain Significance.

NM_001853.4(COL9A3):c.1846G>A (p.Gly616Arg)

Gene: COL9A3 (collagen type IX alpha 3 chain; plus strand). Cytogenetic location: 20q13.33.
Variant type: single nucleotide variant.
Coding change: c.1846G>A on transcript NM_001853.4 (MANE Select); coding-DNA position 1846, G replaced by A.
Protein change: p.Gly616Arg; replaces glycine 616 with arginine.
Molecular consequence: missense variant.
Genome position (GRCh38, 1-based): chr20:62,838,743, G>A. VCF-style: chr20-62838743-G-A. GRCh37 (hg19) VCF-style: chr20-61470095-G-A.
Other names: short protein forms G616R.
Identifiers: ClinVar variation 1312481 (VCV001312481.11), dbSNP rs1009716583, ClinGen allele CA317345878.